The following is an entry in ClinVar:

NM_000038.6(APC):c.1579A>C (p.Arg527=)

Gene: APC (APC regulator of Wnt signaling pathway; plus strand). Cytogenetic location: 5q22.2.
Variant type: single nucleotide variant.
Coding change: c.1579A>C on transcript NM_000038.6 (MANE Select); coding-DNA position 1579, A replaced by C.
Protein change: p.Arg527=; no amino-acid change (arginine 527 retained).
Molecular consequence: synonymous variant.
Genome position (GRCh38, 1-based): chr5:112,827,959, A>C. VCF-style: chr5-112827959-A-C. GRCh37 (hg19) VCF-style: chr5-112163656-A-C.
Other names: c.1579A>C, p.Arg527= (NM_001127510.3, NM_001354895.2, NM_001407450.1); c.1525A>C, p.Arg509= (NM_001127511.3); c.1633A>C, p.Arg545= (NM_001354896.2, NM_001407447.1, NM_001407448.1 and 1 more transcripts); c.1609A>C, p.Arg537= (NM_001354897.2); c.1504A>C, p.Arg502= (NM_001354898.2); c.1495A>C, p.Arg499= (NM_001354899.2); c.1456A>C, p.Arg486= (NM_001354900.2); c.1402A>C, p.Arg468= (NM_001354901.2, NM_001407453.1); and 11 more.
Identifiers: ClinVar variation 2142157 (VCV002142157.5), dbSNP rs751120046, ClinGen allele CA028476.

ClinVar aggregate classification (germline): Benign/Likely benign. Review status: criteria provided, multiple submitters, no conflicts (2 of 4 stars). 2 submissions from 2 submitters: Benign (1); Likely benign (1). Last evaluated 2024-03-07.

Conditions:
Familial adenomatous polyposis 1 (FAP1). Also called: POLYPOSIS, ADENOMATOUS INTESTINAL; FAMILIAL ADENOMATOUS POLYPOSIS 1, ATTENUATED. Identifiers: MedGen C2713442, MONDO:0021056, OMIM 175100. Disease mechanism: loss of function.

Allele frequency attached by ClinVar (database versions not stated): gnomAD exomes below 0.00001; ExAC 0.00001.
gnomAD v4.1: 1 of 1,613,404 alleles (0.000062%); highest among the groups gnomAD compares: Non-Finnish European, 0.000085%; no homozygotes.

Submissions (2):

Myriad Genetics, Inc.
Classification: Benign for Familial adenomatous polyposis 1. Last evaluated: 2024-03-07. Review status: criteria provided, single submitter. Criteria: Myriad Autosomal Dominant, Autosomal Recessive and X-Linked Classification Criteria (2023). Collection method: clinical testing. Allele origin: unknown.
Comment: This variant is considered benign. This variant is a silent/synonymous amino acid change and it is not expected to impact splicing.

Labcorp Genetics (formerly Invitae), Labcorp
Classification: Likely benign for Familial adenomatous polyposis 1. Last evaluated: 2022-05-19. Review status: criteria provided, single submitter. Criteria: Invitae Variant Classification Sherloc (09022015). Collection method: clinical testing. Allele origin: germline.